The following is an entry in ClinVar:

NM_000091.5(COL4A3):c.62T>A (p.Leu21Gln)

Genes: COL4A3 (collagen type IV alpha 3 chain; plus strand), LOC129935730 (ATAC-STARR-seq lymphoblastoid silent region 12397; plus strand). Cytogenetic location: 2q36.3.
Variant type: single nucleotide variant.
Coding change: c.62T>A on transcript NM_000091.5 (MANE Select); coding-DNA position 62, T replaced by A.
Protein change: p.Leu21Gln; replaces leucine 21 with glutamine.
Molecular consequence: missense variant.
Genome position (GRCh38, 1-based): chr2:227,164,788, T>A. VCF-style: chr2-227164788-T-A. GRCh37 (hg19) VCF-style: chr2-228029504-T-A.
Other names: short protein forms L21Q.
Identifiers: ClinVar variation 2695091 (VCV002695091.3), dbSNP rs2065150280, ClinGen allele CA350846160.

ClinVar aggregate classification (germline): Uncertain significance (1 of 4 stars; one submission).

Submission:

Labcorp Genetics (formerly Invitae), Labcorp
Classification: Uncertain significance. Last evaluated: 2023-11-20. Review status: criteria provided, single submitter. Criteria: Invitae Variant Classification Sherloc (09022015). Collection method: clinical testing. Allele origin: germline.
Comment: This sequence change replaces leucine, which is neutral and non-polar, with glutamine, which is neutral and polar, at codon 21 of the COL4A3 protein (p.Leu21Gln). This variant is not present in population databases (gnomAD no frequency). This variant has not been reported in the literature in individuals affected with COL4A3-related conditions. Advanced modeling of protein sequence and biophysical properties (such as structural, functional, and spatial information, amino acid conservation, physicochemical variation, residue mobility, and thermodynamic stability) performed at Invitae indicates that this missense variant is not expected to disrupt COL4A3 protein function with a negative predictive value of 95%. In summary, the available evidence is currently insufficient to determine the role of this variant in disease. Therefore, it has been classified as a Variant of Uncertain Significance.